The following is an entry in ClinVar:

ClinVar aggregate classification (germline): Uncertain significance (1 of 4 stars; one submission).

gnomAD v4.1: 53 of 1,612,810 alleles (0.0033%); highest among the groups gnomAD compares: African/African-American, 0.0053%; 1 homozygote.

Submission:

Labcorp Genetics (formerly Invitae), Labcorp
Classification: Uncertain significance. Last evaluated: 2024-01-08. Review status: criteria provided, single submitter. Criteria: Invitae Variant Classification Sherloc (09022015). Collection method: clinical testing. Allele origin: germline.
Comment: This sequence change replaces glycine, which is neutral and non-polar, with valine, which is neutral and non-polar, at codon 1103 of the MYO15A protein (p.Gly1103Val). This variant is present in population databases (rs750304417, gnomAD 0.03%). This variant has not been reported in the literature in individuals affected with MYO15A-related conditions. Advanced modeling of protein sequence and biophysical properties (such as structural, functional, and spatial information, amino acid conservation, physicochemical variation, residue mobility, and thermodynamic stability) performed at Invitae indicates that this missense variant is not expected to disrupt MYO15A protein function with a negative predictive value of 95%. In summary, the available evidence is currently insufficient to determine the role of this variant in disease. Therefore, it has been classified as a Variant of Uncertain Significance.

NM_016239.4(MYO15A):c.3308G>T (p.Gly1103Val)

Gene: MYO15A (myosin XVA; plus strand). Cytogenetic location: 17p11.2.
Variant type: single nucleotide variant.
Coding change: c.3308G>T on transcript NM_016239.4 (MANE Select); coding-DNA position 3308, G replaced by T.
Protein change: p.Gly1103Val; replaces glycine 1103 with valine.
Molecular consequence: missense variant.
Genome position (GRCh38, 1-based): chr17:18,122,108, G>T. VCF-style: chr17-18122108-G-T. GRCh37 (hg19) VCF-style: chr17-18025422-G-T.
Other names: short protein forms G1103V.
Identifiers: ClinVar variation 2713199 (VCV002713199.1), dbSNP rs750304417, ClinGen allele CA8423426.
Genomic context (GRCh38, chr17:18,122,108, plus strand): 5'-CACTGCCCCAAGCCGCAGCCCCCTTGGCGCCCATCAGGGCCCCAGAGCCCCTGCCCAAGG[G>T]GGGTGAACGGCGCCAGGCAGCCCCTGGGCGTTTTGCTGTGGTCATGCCTCGTGTGCAGAA-3'
Protein context (NP_057323.3, residues 1093-1113): PIRAPEPLPK[Gly1103Val]GERRQAAPGR